The following is an entry in ClinVar:

ClinVar aggregate classification (germline): Uncertain significance. Review status: criteria provided, single submitter (1 of 4 stars). 2 submissions from 2 submitters: Uncertain significance (1). 1 of the submissions does not count toward it. Last evaluated 2022-10-17.

Conditions:
Sphingolipid activator protein 1 deficiency. Also called: METACHROMATIC LEUKODYSTROPHY DUE TO CEREBROSIDE SULFATASE ACTIVATOR DEFICIENCY; Saposin B Deficiency; Metachromatic leukodystrophy due to saposin B deficiency. Identifiers: Orphanet 512, MedGen C0268262, MONDO:0009590, OMIM 249900.
Metachromatic leukodystrophy (MLD). Also called: METACHROMATIC LEUKOENCEPHALOPATHY; Arylsulfatase A Deficiency; SULFATIDE LIPIDOSIS; ARSA DEFICIENCY; CEREBROSIDE SULFATASE DEFICIENCY; Cerebral sclerosis diffuse metachromatic form. Identifiers: Orphanet 512, MedGen C0023522, MONDO:0018868, OMIM 250100.

Allele frequency attached by ClinVar (database versions not stated): 1000 Genomes Project 0.00020; gnomAD exomes 0.00004; ExAC 0.00005; ESP Exome Variant Server 0.00008; gnomAD 0.00013 and 0.00014; TOPMed 0.00013; 1000 Genomes Project 30x 0.00016.

Submissions (2):

Labcorp Genetics (formerly Invitae), Labcorp
Classification: Uncertain significance for Sphingolipid activator protein 1 deficiency. Last evaluated: 2022-10-17. Review status: criteria provided, single submitter. Criteria: Invitae Variant Classification Sherloc (09022015). Collection method: clinical testing. Allele origin: germline.
Comment: This sequence change replaces valine, which is neutral and non-polar, with methionine, which is neutral and non-polar, at codon 461 of the PSAP protein (p.Val461Met). This variant is present in population databases (rs138716613, gnomAD 0.03%). This variant has not been reported in the literature in individuals affected with PSAP-related conditions. ClinVar contains an entry for this variant (Variation ID: 991960). Advanced modeling of protein sequence and biophysical properties (such as structural, functional, and spatial information, amino acid conservation, physicochemical variation, residue mobility, and thermodynamic stability) performed at Invitae indicates that this missense variant is not expected to disrupt PSAP protein function. In summary, the available evidence is currently insufficient to determine the role of this variant in disease. Therefore, it has been classified as a Variant of Uncertain Significance.

Natera, Inc.
Classification: Uncertain significance for Metachromatic leukodystrophy. Last evaluated: 2020-04-11. Review status: no assertion criteria provided. Collection method: clinical testing. Allele origin: germline. Not counted in ClinVar's aggregate classification.

NM_002778.4(PSAP):c.1381G>A (p.Val461Met)

Gene: PSAP (prosaposin; minus strand). Cytogenetic location: 10q22.1.
Variant type: single nucleotide variant.
Coding change: c.1381G>A on transcript NM_002778.4 (MANE Select); coding-DNA position 1381, G replaced by A.
Protein change: p.Val461Met; replaces valine 461 with methionine.
Molecular consequence: missense variant.
Genome position (GRCh38, 1-based): chr10:71,819,081, C>T on the plus strand (G>A on the coding strand, the complement: PSAP is on the minus strand). VCF-style: chr10-71819081-C-T. GRCh37 (hg19) VCF-style: chr10-73578838-C-T.
Other names: c.1390G>A, p.Val464Met (NM_001042465.3); c.1387G>A, p.Val463Met (NM_001042466.3); short protein forms V461M, V463M, V464M.
Identifiers: ClinVar variation 991960 (VCV000991960.4), dbSNP rs138716613, ClinGen allele CA5547365.
Genomic context (GRCh38, chr10:71,819,081, plus strand): 5'-TGAGGCTCACCAAGCACACGAAGGAAGGATCCATCACCTCCACCAGGATCTCGATCAGCA[C>T]GGGCTCGTACTCTGCCACAAACTGATCACACTATAAAGGAAAGTGGGGACACAGGTCCAG-3'
Protein context (NP_002769.1, residues 451-471): CDQFVAEYEP[Val461Met]LIEILVEVMD